The following is an entry in ClinVar:

NM_007255.3(B4GALT7):c.38G>A (p.Trp13Ter)

Genes: B4GALT7 (beta-1,4-galactosyltransferase 7; plus strand), LOC129995400 (ATAC-STARR-seq lymphoblastoid silent region 16704; plus strand). Cytogenetic location: 5q35.3.
Variant type: single nucleotide variant.
Coding change: c.38G>A on transcript NM_007255.3 (MANE Select); coding-DNA position 38, G replaced by A.
Protein change: p.Trp13Ter; replaces tryptophan 13 with a stop codon.
Molecular consequence: nonsense.
Genome position (GRCh38, 1-based): chr5:177,600,248, G>A. VCF-style: chr5-177600248-G-A. GRCh37 (hg19) VCF-style: chr5-177027249-G-A.
Other names: p.Trp13*; short protein forms W13*.
Identifiers: ClinVar variation 282261 (VCV000282261.30), dbSNP rs200503833, ClinGen allele CA3586344.

ClinVar aggregate classification (germline): Conflicting classifications of pathogenicity. Review status: criteria provided, conflicting classifications (1 of 4 stars). 12 submissions from 12 submitters: Pathogenic (4); Likely pathogenic (3); Uncertain significance (5). Last evaluated 2026-05-14.

Conditions:
B4GALT7-related disorder. Also called: B4GALT7-related condition.
Ehlers-Danlos syndrome, spondylodysplastic type, 1 (EDSSPD1). Also called: Ehlers-Danlos syndrome progeroid type; XGPT DEFICIENCY; XYLOSYLPROTEIN 4-BETA-GALACTOSYLTRANSFERASE DEFICIENCY; DERMATAN SULFATE PROTEOGLYCAN; EHLERS-DANLOS SYNDROME, PROGEROID TYPE, 1; GALACTOSYLTRANSFERASE I DEFICIENCY. Identifiers: Orphanet 75496, MedGen C4552003, MONDO:0020682, OMIM 130070.
Spondylodysplastic Ehlers-Danlos syndrome. Identifiers: Orphanet 536471, Orphanet 75496, MedGen C5680154, MONDO:0007526.

Allele frequency attached by ClinVar (database versions not stated): gnomAD 0.00019; TOPMed 0.00029; gnomAD exomes 0.00021; ExAC 0.00082.

Submissions (12):

Women's Health and Genetics/Laboratory Corporation of America, LabCorp
Classification: Pathogenic for Spondylodysplastic Ehlers-Danlos syndrome. Last evaluated: 2026-05-14. Review status: criteria provided, single submitter. Criteria: LabCorp Variant Classification Summary - May 2015. Collection method: clinical testing. Allele origin: germline.
Comment: Variant summary: B4GALT7 c.38G>A (p.Trp13X) results in a premature termination codon, predicted to cause a truncation of the encoded protein or absence of the protein due to nonsense mediated decay, which are commonly known mechanisms for disease. The variant allele was found at a frequency of 0.00021 in 62262 control chromosomes, predominantly at a frequency of 0.00054 within the Non-Finnish European subpopulation in the gnomAD database. This frequency is not significantly higher than estimated for disease-causing variants in B4GALT7, allowing no conclusion about variant significance. To our knowledge, no occurrence of c.38G>A in individuals affected with B4GALT7-related conditions and no experimental evidence demonstrating its impact on protein function have been reported. ClinVar contains an entry for this variant (Variation ID: 282261). Based on the evidence outlined above, the variant was classified as pathogenic.

PreventionGenetics, part of Exact Sciences
Classification: Uncertain significance for B4GALT7-related condition. Last evaluated: 2026-02-24. Review status: criteria provided, single submitter. Criteria: ACMG Guidelines, 2015. Collection method: clinical testing. Allele origin: germline.
Comment: The B4GALT7 c.38G>A variant is predicted to result in premature protein termination (p.Trp13*). This variant has been reported to be associated with cardiovascular disease traits; however, no detailed information was provided (Table S1, Glicksberg et al. 2019. PubMed ID: 31345219). This variant is reported in 0.043% of alleles in individuals of European (Non-Finnish) descent in gnomAD. Although we suspect that this variant may be pathogenic, at this time, the clinical significance of this variant is uncertain due to the absence of conclusive functional and genetic evidence.

Dasa
Classification: Uncertain significance for Ehlers-Danlos syndrome, spondylodysplastic type, 1. Last evaluated: 2025-12-30. Review status: criteria provided, single submitter. Criteria: DASA Assertion Criteria. Collection method: clinical testing. Allele origin: germline.
Comment: NM_007255.3(B4GALT7):c.38G>A (p.Trp13*) is a nonsense variant in B4GALT7 predicted to introduce a premature termination codon and is predicted to result in an absent or altered protein product. This variant has been recurrently observed in individuals with B4GALT7-related disorders (PMID: 26940150; PMID: 31614862). Also, this variant is rare in population databases. The currently available literature and clinical evidence are not sufficient to establish a definitive association between this variant and the reported condition. Therefore, this variant is classified as a variant of uncertain significance.

Labcorp Genetics (formerly Invitae), Labcorp
Classification: Pathogenic for Spondylodysplastic Ehlers-Danlos syndrome. Last evaluated: 2025-12-29. Review status: criteria provided, single submitter. Criteria: Invitae Variant Classification Sherloc (09022015). Collection method: clinical testing. Allele origin: germline.
Comment: This sequence change creates a premature translational stop signal (p.Trp13*) in the B4GALT7 gene. It is expected to result in an absent or disrupted protein product. Loss-of-function variants in B4GALT7 are known to be pathogenic (PMID: 26940150, 31614862, 38431799). This variant is present in population databases (rs200503833, gnomAD 0.04%). This variant has not been reported in the literature in individuals affected with B4GALT7-related conditions. ClinVar contains an entry for this variant (Variation ID: 282261). For these reasons, this variant has been classified as Pathogenic.

GeneDx
Classification: Pathogenic. Last evaluated: 2025-09-25. Review status: criteria provided, single submitter. Criteria: GeneDx Variant Classification Process June 2021. Collection method: clinical testing. Allele origin: germline. Affected: yes.
Comment: Has not been previously reported in association with a B4GALT7-related disorder in published literature to our knowledge; Nonsense variant predicted to result in protein truncation or nonsense mediated decay in a gene for which loss of function is a known mechanism of disease; This variant is associated with the following publications: (PMID: 31345219)

Mayo Clinic Laboratories, Mayo Clinic
Classification: Uncertain significance. Last evaluated: 2025-08-27. Review status: criteria provided, single submitter. Criteria: ACMG Guidelines, 2015. Collection method: clinical testing. Allele origin: germline. Observed: 6 variant alleles.
Comment: PVS1_strong

Blueprint Genetics
Classification: Uncertain significance. Last evaluated: 2024-10-24. Review status: criteria provided, single submitter. Criteria: ACMG Guidelines, 2015. Collection method: clinical testing. Allele origin: germline.

HudsonAlpha Institute for Biotechnology
Classification: Likely pathogenic for Ehlers-Danlos syndrome, spondylodysplastic type, 1. Last evaluated: 2023-11-13. Review status: criteria provided, single submitter. Criteria: ACMG Guidelines, 2015. Collection method: research. Allele origin: maternal. Affected: yes. Observed: 1 variant allele. Study: UCC-HudsonAlpha.

Department of Pathology and Laboratory Medicine, Sinai Health System
Classification: Uncertain significance for Ehlers-Danlos syndrome, spondylodysplastic type, 1. Last evaluated: 2023-10-02. Review status: criteria provided, single submitter. Criteria: ACMG Guidelines, 2015. Collection method: research. Allele origin: germline.

Victorian Clinical Genetics Services, Murdoch Childrens Research Institute
Classification: Pathogenic for Ehlers-Danlos syndrome, spondylodysplastic type, 1. Last evaluated: 2022-02-02. Review status: criteria provided, single submitter. Criteria: ACMG Guidelines, 2015. Collection method: clinical testing. Allele origin: germline. Inheritance: Autosomal recessive inheritance. Affected: yes.
Comment: Based on the classification scheme VCGS_Germline_v1.3.4, this variant is classified as Pathogenic. Following criteria are met: 0102 - Loss of function is a known mechanism of disease in this gene and is associated with Ehlers-Danlos syndrome, spondylodysplastic type, 1 (MIM#130070) (PMID: 31278392). (I) 0106 - This gene is associated with autosomal recessive disease. (I) 0201 - Variant is predicted to cause nonsense-mediated decay (NMD) and loss of protein (premature termination codon is located at least 54 nucleotides upstream of the final exon-exon junction). (SP) 0251 - This variant is heterozygous. (I) 0304 - Variant is present in gnomAD (v3) <0.01 for a recessive condition (39 heterozygotes, 0 homozygotes). (SP) 0703 - Other NMD-predicted variants comparable to the one identified in this case have moderate previous evidence for pathogenicity. These two variants have been reported as likely pathogenic, and have been reported in several patients with spondodylodysplastic-Ehlers-Danlos syndrome (EDS) (PMID: 31614862, ClinVar, Decipher). (SP) 0808 - Previous reports of pathogenicity for this variant are conflicting. This variant has been reported as both likely pathogenic and as a VUS (ClinVar and NTD Genetics). It has also been observed as homozygous in an individual with global developmental delay, broad-based gait and stereotypy, but subsequently classified as benign with no other information provided (DECIPHER). (I) 0905 - No published segregation evidence has been identified for this variant. (I) 1007 - No published functional evidence has been identified for this variant. (I) 1208 - Inheritance information for this variant is not currently available in this individual. (I) Legend: (SP) - Supporting pathogenic, (I) - Information, (SB) - Supporting benign

Genome Diagnostics Laboratory, The Hospital for Sick Children
Classification: Likely pathogenic for Ehlers-Danlos syndrome, spondylodysplastic type, 1. Last evaluated: 2019-11-21. Review status: criteria provided, single submitter. Criteria: ACMG Guidelines, 2015. Collection method: clinical testing. Allele origin: germline. Affected: yes.
Comment: This nonsense variant is in exon 1 of the B4GALT7 gene. It is predicted to create a premature translational stop signal at codon 13, which is expected to result in an absent or disrupted protein product in a gene where loss of function is a known mechanism of disease. This variant has been observed in individuals with cardiovascular disease traits (PMID: 31345219). This variant is observed at an allele frequency of 0.062% in populations of the Genome Aggregation Database (gnomAD). Based on the evidence above, this variant is classified as likely pathogenic (ACMG criteria - PVS1, PM2).

Eurofins Ntd Llc (ga)
Classification: Likely pathogenic. Last evaluated: 2015-08-14. Review status: criteria provided, single submitter. Criteria: EGL Classification Definitions 2015. Collection method: clinical testing. Allele origin: germline. Observed: 1 variant allele, 1 heterozygote.

Literature cited by the submitters: PubMed 26940150 (cited by Dasa and Labcorp Genetics (formerly Invitae), Labcorp); PubMed 31862401 (cited by Dasa); PubMed 31614862 (cited by 3 submitters); PubMed 38431799 (cited by Labcorp Genetics (formerly Invitae), Labcorp); PubMed 31345219 (cited by Mayo Clinic Laboratories, Mayo Clinic and Genome Diagnostics Laboratory, The Hospital for Sick Children); PubMed 31278392 (cited by Victorian Clinical Genetics Services, Murdoch Childrens Research Institute).